The following is an entry in ClinVar:

NM_020134.4(DPYSL5):c.807G>A (p.Ala269=)

Gene: DPYSL5 (dihydropyrimidinase like 5; plus strand). Cytogenetic location: 2p23.3.
Variant type: single nucleotide variant.
Coding change: c.807G>A on transcript NM_020134.4 (MANE Select); coding-DNA position 807, G replaced by A.
Protein change: p.Ala269=; no amino-acid change (alanine 269 retained).
Molecular consequence: synonymous variant.
Genome position (GRCh38, 1-based): chr2:26,934,594, G>A. VCF-style: chr2-26934594-G-A. GRCh37 (hg19) VCF-style: chr2-27157462-G-A.
Other names: c.807G>A, p.Ala269= (NM_001253723.2, NM_001253724.2).
Identifiers: ClinVar variation 3771038 (VCV003771038.13).
Genomic context (GRCh38, chr2:26,934,594, plus strand): 5'-GTTCGGTGGCTTCCTGGTTATGGTTCTGACCTTTCTTCTTCCAGGGAAGGTTGTGCTGGC[G>A]GAGACCACCACTGCACATGCCACGCTGACAGGCTTACACTACTACCACCAGGACTGGTCC-3'
Protein context (NP_064519.2, residues 259-279): AAKMQGKVVL[Ala269=]ETTTAHATLT

ClinVar aggregate classification (germline): Likely benign (1 of 4 stars; one submission).

gnomAD v4.1: 159 of 1,612,672 alleles (0.0099%); highest among the groups gnomAD compares: Admixed American, 0.028%; 1 homozygote.

Submission:

CeGaT Center for Human Genetics Tuebingen
Classification: Likely benign. Last evaluated: 2025-01-01. Review status: criteria provided, single submitter. Criteria: CeGaT Center For Human Genetics Tuebingen Variant Classification Criteria Version 2. Collection method: clinical testing. Allele origin: germline. Affected: yes. Observed: 1 variant allele.
Comment: DPYSL5: BP4, BP7